The following is an entry in ClinVar:

ClinVar aggregate classification (germline): Uncertain significance. Review status: criteria provided, multiple submitters, no conflicts (2 of 4 stars). 2 submissions from 2 submitters: Uncertain significance (2). Last evaluated 2025-10-30.

Conditions:
Neuroblastoma, susceptibility to, 3. Also called: ALK-Related Neuroblastic Tumor Susceptibility. Identifiers: Orphanet 635, MedGen C2751681, MONDO:0013083, OMIM 613014.
Hereditary cancer-predisposing syndrome. Also called: Neoplastic Syndromes, Hereditary; Tumor predisposition; Hereditary Cancer Syndrome; Hereditary neoplastic syndrome. Identifiers: Orphanet 140162, MedGen C0027672, MeSH D009386, MONDO:0015356.

Allele frequency attached by ClinVar (database versions not stated): gnomAD exomes 0.00001.
gnomAD v4.1: 9 of 1,613,906 alleles (0.00056%); highest among the groups gnomAD compares: Non-Finnish European, 0.00076%; no homozygotes.

Submissions (2):

Ambry Genetics
Classification: Uncertain significance for Hereditary cancer-predisposing syndrome. Last evaluated: 2025-10-30. Review status: criteria provided, single submitter. Criteria: Ambry Variant Classification Scheme 2023. Collection method: clinical testing. Allele origin: germline.
Comment: The p.Y276H variant (also known as c.826T>C), located in coding exon 3 of the ALK gene, results from a T to C substitution at nucleotide position 826. The tyrosine at codon 276 is replaced by histidine, an amino acid with similar properties. This amino acid position is conserved. In addition, this alteration is predicted to be tolerated by in silico analysis. Since supporting evidence is limited at this time, the clinical significance of this alteration remains unclear.

Labcorp Genetics (formerly Invitae), Labcorp
Classification: Uncertain significance for Neuroblastoma, susceptibility to, 3. Last evaluated: 2024-07-24. Review status: criteria provided, single submitter. Criteria: Invitae Variant Classification Sherloc (09022015). Collection method: clinical testing. Allele origin: germline.
Comment: This sequence change replaces tyrosine, which is neutral and polar, with histidine, which is basic and polar, at codon 276 of the ALK protein (p.Tyr276His). This variant is not present in population databases (gnomAD no frequency). This variant has not been reported in the literature in individuals affected with ALK-related conditions. ClinVar contains an entry for this variant (Variation ID: 538268). An algorithm developed to predict the effect of missense changes on protein structure and function (PolyPhen-2) suggests that this variant is likely to be disruptive. In summary, the available evidence is currently insufficient to determine the role of this variant in disease. Therefore, it has been classified as a Variant of Uncertain Significance.

NM_004304.5(ALK):c.826T>C (p.Tyr276His)

Gene: ALK (ALK receptor tyrosine kinase; minus strand). Cytogenetic location: 2p23.2.
Variant type: single nucleotide variant.
Coding change: c.826T>C on transcript NM_004304.5 (MANE Select); coding-DNA position 826, T replaced by C.
Protein change: p.Tyr276His; replaces tyrosine 276 with histidine.
Molecular consequence: missense variant.
Genome position (GRCh38, 1-based): chr2:29,694,976, A>G on the plus strand (T>C on the coding strand, the complement: ALK is on the minus strand). VCF-style: chr2-29694976-A-G. GRCh37 (hg19) VCF-style: chr2-29917842-A-G.
Other names: short protein forms Y276H.
Identifiers: ClinVar variation 538268 (VCV000538268.13), dbSNP rs1553348530, ClinGen allele CA346587064.